The following is an entry in ClinVar:

ClinVar aggregate classification (germline): Conflicting classifications of pathogenicity. Review status: criteria provided, conflicting classifications (1 of 4 stars). 2 submissions from 2 submitters: Uncertain significance (1); Likely benign (1). Last evaluated 2025-04-28.

Conditions:
Hereditary cancer-predisposing syndrome. Also called: Neoplastic Syndromes, Hereditary; Tumor predisposition; Hereditary neoplastic syndrome; Hereditary Cancer Syndrome. Identifiers: Orphanet 140162, MedGen C0027672, MeSH D009386, MONDO:0015356.
Familial cancer of breast. Also called: BREAST CANCER, FAMILIAL; Hereditary breast cancer; hereditary breast carcinoma. Identifiers: Orphanet 227535, MedGen C0346153, MONDO:0016419, OMIM 114480. Disease mechanism: loss of function.

gnomAD v4.1: 1 of 1,614,136 alleles (0.000062%); highest among the groups gnomAD compares: South Asian, 0.0011%; no homozygotes.

Submissions (2):

Labcorp Genetics (formerly Invitae), Labcorp
Classification: Uncertain significance for Familial cancer of breast. Last evaluated: 2025-04-28. Review status: criteria provided, single submitter. Criteria: Invitae Variant Classification Sherloc (09022015). Collection method: clinical testing. Allele origin: germline.
Comment: This sequence change replaces isoleucine, which is neutral and non-polar, with valine, which is neutral and non-polar, at codon 332 of the BARD1 protein (p.Ile332Val). This variant is present in population databases (rs543606863, gnomAD 0.003%). This variant has not been reported in the literature in individuals affected with BARD1-related conditions. ClinVar contains an entry for this variant (Variation ID: 823567). An algorithm developed to predict the effect of missense changes on protein structure and function outputs the following: PolyPhen-2: "Benign". The valine amino acid residue is found in multiple mammalian species, which suggests that this missense change does not adversely affect protein function. In summary, the available evidence is currently insufficient to determine the role of this variant in disease. Therefore, it has been classified as a Variant of Uncertain Significance.

Ambry Genetics
Classification: Likely benign for Hereditary cancer-predisposing syndrome. Last evaluated: 2019-02-26. Review status: criteria provided, single submitter. Criteria: Ambry Variant Classification Scheme 2023. Collection method: clinical testing. Allele origin: germline.

NM_000465.4(BARD1):c.994A>G (p.Ile332Val)

Gene: BARD1 (BRCA1 associated RING domain 1; minus strand). Cytogenetic location: 2q35.
Variant type: single nucleotide variant.
Coding change: c.994A>G on transcript NM_000465.4 (MANE Select); coding-DNA position 994, A replaced by G.
Protein change: p.Ile332Val; replaces isoleucine 332 with valine.
Molecular consequence: missense variant. On other transcripts: non-coding transcript variant (2), intron variant (3).
Genome position (GRCh38, 1-based): chr2:214,780,880, T>C on the plus strand (A>G on the coding strand, the complement: BARD1 is on the minus strand). VCF-style: chr2-214780880-T-C. GRCh37 (hg19) VCF-style: chr2-215645604-T-C.
Other names: c.937A>G, p.Ile313Val (NM_001282543.2); c.159-28325A>G (NM_001282548.2); c.215+16181A>G (NM_001282545.2); c.364+11417A>G (NM_001282549.2); short protein forms I332V, I313V.
Identifiers: ClinVar variation 823567 (VCV000823567.15), dbSNP rs543606863, ClinGen allele CA2090351.